The following is an entry in ClinVar:

ClinVar aggregate classification (germline): Uncertain significance (1 of 4 stars; one submission).

Conditions:
Inborn genetic diseases. Identifiers: MedGen C0950123, MeSH D030342.

Allele frequency attached by ClinVar (database versions not stated): ExAC 0.00001.

Submission:

Ambry Genetics
Classification: Uncertain significance for Inborn genetic diseases. Last evaluated: 2023-11-16. Review status: criteria provided, single submitter. Criteria: Ambry Variant Classification Scheme 2023. Collection method: clinical testing. Allele origin: germline.
Comment: The p.M1919V variant (also known as c.5755A>G), located in coding exon 34 of the ATR gene, results from an A to G substitution at nucleotide position 5755. The methionine at codon 1919 is replaced by valine, an amino acid with highly similar properties. This amino acid position is conserved. In addition, this alteration is predicted to be tolerated by in silico analysis. Since supporting evidence is limited at this time, the clinical significance of this alteration remains unclear.

NM_001184.4(ATR):c.5755A>G (p.Met1919Val)

Gene: ATR (ATR checkpoint kinase; minus strand). Cytogenetic location: 3q23.
Variant type: single nucleotide variant.
Coding change: c.5755A>G on transcript NM_001184.4 (MANE Select); coding-DNA position 5755, A replaced by G.
Protein change: p.Met1919Val; replaces methionine 1919 with valine.
Molecular consequence: missense variant.
Genome position (GRCh38, 1-based): chr3:142,496,504, T>C on the plus strand (A>G on the coding strand, the complement: ATR is on the minus strand). VCF-style: chr3-142496504-T-C. GRCh37 (hg19) VCF-style: chr3-142215346-T-C.
Other names: c.5563A>G, p.Met1855Val (NM_001354579.2); short protein forms M1855V, M1919V.
Identifiers: ClinVar variation 3221224 (VCV003221224.1), dbSNP rs766711757, ClinGen allele CA2649532.